The following is an entry in ClinVar:

ClinVar aggregate classification (germline): Uncertain significance. Review status: criteria provided, multiple submitters, no conflicts (2 of 4 stars). 2 submissions from 2 submitters: Uncertain significance (2). Last evaluated 2025-09-16.

Allele frequency attached by ClinVar (database versions not stated): ExAC 0.00001; gnomAD exomes 0.00002; TOPMed 0.00005; gnomAD 0.00008.
gnomAD v4.1: 26 of 1,612,818 alleles (0.0016%); highest among the groups gnomAD compares: Admixed American, 0.04%; no homozygotes.

Submissions (2):

Women's Health and Genetics/Laboratory Corporation of America, LabCorp
Classification: Uncertain significance. Last evaluated: 2025-09-16. Review status: criteria provided, single submitter. Criteria: LabCorp Variant Classification Summary - May 2015. Collection method: clinical testing. Allele origin: germline.
Comment: Variant summary: CENPE c.3872T>C (p.Leu1291Ser) results in a non-conservative amino acid change in the encoded protein sequence. Algorithms developed to predict the effect of missense changes on protein structure and function are either unavailable or do not agree on the potential impact of this missense change. The variant allele was found at a frequency of 4e-05 in 250570 control chromosomes. This frequency is not significantly higher than estimated for disease-causing variants in CENPE, allowing no conclusion about variant significance. To our knowledge, no occurrence of c.3872T>C in individuals affected with CENPE-related conditions and no experimental evidence demonstrating its impact on protein function have been reported. ClinVar contains an entry for this variant (Variation ID: 3142288). Based on the evidence outlined above, the variant was classified as uncertain significance.

Ambry Genetics
Classification: Uncertain significance. Last evaluated: 2022-03-11. Review status: criteria provided, single submitter. Criteria: Ambry Variant Classification Scheme 2023. Collection method: clinical testing. Allele origin: germline.

NM_001813.3(CENPE):c.3872T>C (p.Leu1291Ser)

Gene: CENPE (centromere protein E; minus strand). Cytogenetic location: 4q24.
Variant type: single nucleotide variant.
Coding change: c.3872T>C on transcript NM_001813.3 (MANE Select); coding-DNA position 3872, T replaced by C.
Protein change: p.Leu1291Ser; replaces leucine 1291 with serine.
Molecular consequence: missense variant.
Genome position (GRCh38, 1-based): chr4:103,147,618, A>G on the plus strand (T>C on the coding strand, the complement: CENPE is on the minus strand). VCF-style: chr4-103147618-A-G. GRCh37 (hg19) VCF-style: chr4-104068775-A-G.
Other names: c.3797T>C, p.Leu1266Ser (NM_001286734.2); short protein forms L1291S, L1266S.
Identifiers: ClinVar variation 3142288 (VCV003142288.2), dbSNP rs768416840, ClinGen allele CA3029947.